The following is an entry in ClinVar:

NM_000540.3(RYR1):c.7569C>G (p.Asp2523Glu)

Gene: RYR1 (ryanodine receptor 1; plus strand). Cytogenetic location: 19q13.2.
Variant type: single nucleotide variant.
Coding change: c.7569C>G on transcript NM_000540.3 (MANE Select); coding-DNA position 7569, C replaced by G.
Protein change: p.Asp2523Glu; replaces aspartic acid 2523 with glutamic acid.
Molecular consequence: missense variant.
Genome position (GRCh38, 1-based): chr19:38,500,945, C>G. VCF-style: chr19-38500945-C-G. GRCh37 (hg19) VCF-style: chr19-38991585-C-G.
Other names: c.7569C>G, p.Asp2523Glu (NM_001042723.2); short protein forms D2523E.
Identifiers: ClinVar variation 2766775 (VCV002766775.3), dbSNP rs778952441, ClinGen allele CA405670491.

ClinVar aggregate classification (germline): Uncertain significance (1 of 4 stars; one submission).

Conditions:
RYR1-related disorder. Also called: RYR1-related condition; RYR1-related disorders. Identifiers: MedGen CN239331.

gnomAD v4.1: 1 of 1,612,806 alleles (0.000062%); highest among the groups gnomAD compares: Non-Finnish European, 0.000085%; no homozygotes.

Submission:

Labcorp Genetics (formerly Invitae), Labcorp
Classification: Uncertain significance for RYR1-related disorder. Last evaluated: 2023-12-09. Review status: criteria provided, single submitter. Criteria: Invitae Variant Classification Sherloc (09022015). Collection method: clinical testing. Allele origin: germline.
Comment: This sequence change replaces aspartic acid, which is acidic and polar, with glutamic acid, which is acidic and polar, at codon 2523 of the RYR1 protein (p.Asp2523Glu). This variant is not present in population databases (gnomAD no frequency). This variant has not been reported in the literature in individuals affected with RYR1-related conditions. Advanced modeling of protein sequence and biophysical properties (such as structural, functional, and spatial information, amino acid conservation, physicochemical variation, residue mobility, and thermodynamic stability) performed at Invitae indicates that this missense variant is not expected to disrupt RYR1 protein function with a negative predictive value of 95%. In summary, the available evidence is currently insufficient to determine the role of this variant in disease. Therefore, it has been classified as a Variant of Uncertain Significance.